The following is an entry in ClinVar:

ClinVar aggregate classification (germline): Pathogenic. Review status: criteria provided, multiple submitters, no conflicts (2 of 4 stars). 3 submissions from 3 submitters: Pathogenic (2). 1 of the submissions does not count toward it. Last evaluated 2024-03-01.

Conditions:
Tuberous sclerosis 1 (TSC1). Identifiers: Orphanet 805, MedGen C1854465, MONDO:0008612, OMIM 191100.
Tuberous sclerosis syndrome (TSC). Also called: Tuberous Sclerosis Complex; Tuberous sclerosis. Identifiers: Orphanet 805, MedGen C0041341, MONDO:0001734.

Submissions (3):

Labcorp Genetics (formerly Invitae), Labcorp
Classification: Pathogenic for Tuberous sclerosis 1. Last evaluated: 2024-03-01. Review status: criteria provided, single submitter. Criteria: Invitae Variant Classification Sherloc (09022015). Collection method: clinical testing. Allele origin: germline.
Comment: This sequence change creates a premature translational stop signal (p.Asn891Thrfs*40) in the TSC1 gene. It is expected to result in an absent or disrupted protein product. Loss-of-function variants in TSC1 are known to be pathogenic (PMID: 10227394, 17304050). This variant is not present in population databases (gnomAD no frequency). This premature translational stop signal has been observed in individual(s) with clinical features of tuberous sclerosis complex (PMID: 21811971). ClinVar contains an entry for this variant (Variation ID: 64834). For these reasons, this variant has been classified as Pathogenic.

Athena Diagnostics
Classification: Pathogenic for Tuberous sclerosis 1. Last evaluated: 2014-09-15. Review status: criteria provided, single submitter. Criteria: Athena Diagnostics Criteria. Collection method: clinical testing. Allele origin: germline. Inheritance: Autosomal dominant inheritance.

Tuberous sclerosis database (TSC1)
No classification provided. Condition: TSC. Review status: no classification provided. Criteria: Tuberous Sclerosis Database Assertion Criteria 2015. Collection method: curation. Allele origin: germline. Affected: yes. Not counted in ClinVar's aggregate classification.

Literature cited by the submitters: PubMed 10227394 (cited by Labcorp Genetics (formerly Invitae), Labcorp); PubMed 17304050 (cited by Labcorp Genetics (formerly Invitae), Labcorp); PubMed 21811971 (cited by Labcorp Genetics (formerly Invitae), Labcorp and Athena Diagnostics).

NM_000368.5(TSC1):c.2672del (p.Asn891fs)

Gene: TSC1 (TSC complex subunit 1; minus strand). Cytogenetic location: 9q34.13.
Variant type: Deletion.
Coding change: c.2672del on transcript NM_000368.5 (MANE Select); coding-DNA position 2672, one base deleted (A; older notation c.2672delA).
Protein change: p.Asn891fs; shifts the reading frame from asparagine 891.
Molecular consequence: frameshift variant.
Genome position (GRCh38, 1-based): chr9:132,897,564, T deleted on the plus strand (A on the coding strand, the reverse complement: TSC1 is on the minus strand); the first of 7 consecutive T bases (chr9:132,897,564-132,897,570); deleting any one gives the same sequence. VCF-style (leftmost placement, unchanged base first): chr9-132897563-GT-G. GRCh37 (hg19) VCF-style: chr9-135772950-GT-G.
Other names: c.2669del, p.Asn890fs (NM_001162426.2); c.2519del, p.Asn840fs (NM_001162427.2); c.2309del, p.Asn770fs (NM_001362177.2); c.2672delA (NM_000368.4); short protein forms N890fs, N770fs, N840fs, N891fs.
Identifiers: ClinVar variation 64834 (VCV000064834.7), dbSNP rs118203724, ClinGen allele CA006842.
Genomic context (GRCh38, chr9:132,897,563, plus strand): 5'-TTCCAAAATCCGTTTTTGGGAGGTATCAAGCCTCTGAGTCTGCTGGAGAACATGGCTTCT[GT>G]TTTTTTCTAGCTCTTTCCGATAGGCGGCTTTCATCATTTCTACTTCCTGAAAAAAAAAAA-3'